The following is an entry in ClinVar:

NM_000340.2(SLC2A2):c.482C>T (p.Ser161Leu)

Gene: SLC2A2 (solute carrier family 2 member 2; minus strand). Cytogenetic location: 3q26.2.
Variant type: single nucleotide variant.
Coding change: c.482C>T on transcript NM_000340.2 (MANE Select); coding-DNA position 482, C replaced by T.
Protein change: p.Ser161Leu; replaces serine 161 with leucine.
Molecular consequence: missense variant. On other transcripts: intron variant (1).
Genome position (GRCh38, 1-based): chr3:171,009,972, G>A on the plus strand (C>T on the coding strand, the complement: SLC2A2 is on the minus strand). VCF-style: chr3-171009972-G-A. GRCh37 (hg19) VCF-style: chr3-170727761-G-A.
Other names: c.125C>T, p.Ser42Leu (NM_001278658.2); c.-23-2709C>T (NM_001278659.2); short protein forms S42L, S161L.
Identifiers: ClinVar variation 2013382 (VCV002013382.4), dbSNP rs2473906344, ClinGen allele CA355491560.

ClinVar aggregate classification (germline): Uncertain significance (1 of 4 stars; one submission).

Conditions:
Fanconi-Bickel syndrome (FBS). Also called: Glycogen storage disease due to GLUT2 deficiency; FANCONI SYNDROME WITH INTESTINAL MALABSORPTION AND GALACTOSE INTOLERANCE; HEPATIC GLYCOGENOSIS WITH AMINO ACIDURIA AND GLUCOSURIA; HEPATIC GLYCOGENOSIS WITH FANCONI NEPHROPATHY; HEPATORENAL GLYCOGENOSIS WITH RENAL FANCONI SYNDROME; PSEUDO-PHLORIZIN DIABETES. Identifiers: Orphanet 2088, MedGen C3495427, MONDO:0009216, OMIM 227810.

Submission:

Labcorp Genetics (formerly Invitae), Labcorp
Classification: Uncertain significance for Fanconi-Bickel syndrome. Last evaluated: 2022-07-18. Review status: criteria provided, single submitter. Criteria: Invitae Variant Classification Sherloc (09022015). Collection method: clinical testing. Allele origin: germline.
Comment: This sequence change replaces serine, which is neutral and polar, with leucine, which is neutral and non-polar, at codon 161 of the SLC2A2 protein (p.Ser161Leu). This variant is not present in population databases (gnomAD no frequency). This variant has not been reported in the literature in individuals affected with SLC2A2-related conditions. Advanced modeling of protein sequence and biophysical properties (such as structural, functional, and spatial information, amino acid conservation, physicochemical variation, residue mobility, and thermodynamic stability) performed at Invitae indicates that this missense variant is not expected to disrupt SLC2A2 protein function. Algorithms developed to predict the effect of sequence changes on RNA splicing suggest that this variant may disrupt the consensus splice site. In summary, the available evidence is currently insufficient to determine the role of this variant in disease. Therefore, it has been classified as a Variant of Uncertain Significance.